The following is an entry in ClinVar:

NM_002335.4(LRP5):c.3432del (p.Asn1145fs)

Gene: LRP5 (LDL receptor related protein 5; plus strand). Cytogenetic location: 11q13.2.
Variant type: Deletion.
Coding change: c.3432del on transcript NM_002335.4 (MANE Select); coding-DNA position 3432, one base deleted (C; older notation c.3432delC).
Protein change: p.Asn1145fs; shifts the reading frame from asparagine 1145.
Molecular consequence: frameshift variant.
Genome position (GRCh38, 1-based): chr11:68,425,982, C deleted; the last of 2 consecutive C bases (chr11:68,425,981-68,425,982); deleting either gives the same sequence. VCF-style (leftmost placement, unchanged base first): chr11-68425980-GC-G. GRCh37 (hg19) VCF-style: chr11-68193448-GC-G.
Other names: c.1689del, p.Asn564fs (NM_001291902.2); short protein forms N1145fs, N564fs.
Identifiers: ClinVar variation 2124200 (VCV002124200.4), dbSNP rs2496831543, ClinGen allele CA2580084697.

ClinVar aggregate classification (germline): Pathogenic (1 of 4 stars; one submission).

Submission:

Labcorp Genetics (formerly Invitae), Labcorp
Classification: Pathogenic. Last evaluated: 2022-04-10. Review status: criteria provided, single submitter. Criteria: Invitae Variant Classification Sherloc (09022015). Collection method: clinical testing. Allele origin: germline.
Comment: This sequence change creates a premature translational stop signal (p.Asn1145Thrfs*3) in the LRP5 gene. It is expected to result in an absent or disrupted protein product. Loss-of-function variants in LRP5 are known to be pathogenic (PMID: 11719191, 16252235, 25711638). This variant is not present in population databases (gnomAD no frequency). This variant has not been reported in the literature in individuals affected with LRP5-related conditions. For these reasons, this variant has been classified as Pathogenic.

Literature cited by the submitters: PubMed 11719191; PubMed 16252235; PubMed 25711638.